The following is an entry in ClinVar:

ClinVar aggregate classification (germline): Pathogenic (1 of 4 stars; one submission).

Conditions:
Inborn genetic diseases. Identifiers: MedGen C0950123, MeSH D030342.

Submission:

Ambry Genetics
Classification: Pathogenic for Inborn genetic diseases. Last evaluated: 2023-08-29. Review status: criteria provided, single submitter. Criteria: Ambry Variant Classification Scheme 2023. Collection method: clinical testing. Allele origin: germline.
Comment: The c.5164C>T (p.Q1722*) alteration, located in exon 37 (coding exon 37) of the ARFGEF1 gene, consists of a C to T substitution at nucleotide position 5164. This changes the amino acid from a glutamine (Q) to a stop codon at amino acid position 1722. This alteration is expected to result in loss of function by premature protein truncation or nonsense-mediated mRNA decay. This variant was not reported in population-based cohorts in the Genome Aggregation Database (gnomAD). Based on the available evidence, this alteration is classified as pathogenic.

NM_006421.5(ARFGEF1):c.5164C>T (p.Gln1722Ter)

Gene: ARFGEF1 (ARF guanine nucleotide exchange factor 1; minus strand). Cytogenetic location: 8q13.2.
Variant type: single nucleotide variant.
Coding change: c.5164C>T on transcript NM_006421.5 (MANE Select); coding-DNA position 5164, C replaced by T.
Protein change: p.Gln1722Ter; replaces glutamine 1722 with a stop codon.
Molecular consequence: nonsense. On other transcripts: non-coding transcript variant (1).
Genome position (GRCh38, 1-based): chr8:67,201,570, G>A on the plus strand (C>T on the coding strand, the complement: ARFGEF1 is on the minus strand). VCF-style: chr8-67201570-G-A. GRCh37 (hg19) VCF-style: chr8-68113805-G-A.
Other names: c.5164C>T, p.Gln1722Ter (NM_001413184.1, NM_001413187.1, NM_001413194.1); c.5146C>T, p.Gln1716Ter (NM_001413185.1, NM_001413186.1, NM_001413189.1); c.4564C>T, p.Gln1522Ter (NM_001413188.1, NM_001413197.1); c.5158C>T, p.Gln1720Ter (NM_001413190.1); c.5068C>T, p.Gln1690Ter (NM_001413191.1); c.5050C>T, p.Gln1684Ter (NM_001413192.1); c.4546C>T, p.Gln1516Ter (NM_001413193.1); c.3739C>T, p.Gln1247Ter (NM_001413196.1); short protein forms Q1722*, Q1522*, Q1690*, Q1247*, Q1516*, Q1716*, Q1684*, Q1720*.
Identifiers: ClinVar variation 2591624 (VCV002591624.2), dbSNP rs2491169378, ClinGen allele CA371208862.
Genomic context (GRCh38, chr8:67,201,570, plus strand): 5'-TCTCATCCATGTACATCCGGAAGAGAATGCGCAGCCCACAGGCCAGGCTGCTGGTCTCCT[G>A]CTTCAGAAGGTTGGGCTTGGATTTGCCTTTGAATCCTGCAGAAAAGGGAAGTTTCTGGGA-3'